The following is an entry in ClinVar:

NM_001184.4(ATR):c.559G>A (p.Gly187Arg)

Gene: ATR (ATR checkpoint kinase; minus strand). Cytogenetic location: 3q23.
Variant type: single nucleotide variant.
Coding change: c.559G>A on transcript NM_001184.4 (MANE Select); coding-DNA position 559, G replaced by A.
Protein change: p.Gly187Arg; replaces glycine 187 with arginine.
Molecular consequence: missense variant.
Genome position (GRCh38, 1-based): chr3:142,562,843, C>T on the plus strand (G>A on the coding strand, the complement: ATR is on the minus strand). VCF-style: chr3-142562843-C-T. GRCh37 (hg19) VCF-style: chr3-142281685-C-T.
Other names: c.559G>A, p.Gly187Arg (NM_001354579.2); short protein forms G187R.
Identifiers: ClinVar variation 1748533 (VCV001748533.2), dbSNP rs2473428942, ClinGen allele CA354826464.

ClinVar aggregate classification (germline): Uncertain significance (1 of 4 stars; one submission).

Conditions:
Inborn genetic diseases. Identifiers: MedGen C0950123, MeSH D030342.

Allele frequency attached by ClinVar (database versions not stated): gnomAD exomes below 0.00001.
gnomAD v4.1: 2 of 1,608,664 alleles (0.00012%); highest among the groups gnomAD compares: Non-Finnish European, 0.00017%; no homozygotes.

Submission:

Ambry Genetics
Classification: Uncertain significance for Inborn genetic diseases. Last evaluated: 2021-09-01. Review status: criteria provided, single submitter. Criteria: Ambry Variant Classification Scheme 2023. Collection method: clinical testing. Allele origin: germline.
Comment: The p.G187R variant (also known as c.559G>A), located in coding exon 4 of the ATR gene, results from a G to A substitution at nucleotide position 559. The glycine at codon 187 is replaced by arginine, an amino acid with dissimilar properties. This amino acid position is conserved. In addition, this alteration is predicted to be tolerated by in silico analysis. Since supporting evidence is limited at this time, the clinical significance of this alteration remains unclear.